The following is an entry in ClinVar:

NM_000558.5(HBA1):c.95+9C>T

Genes: HBA1 (hemoglobin subunit alpha 1; plus strand), LOC106804613 (hemoglobin subunit alpha 1 recombination region; plus strand). Cytogenetic location: 16p13.3.
Variant type: single nucleotide variant.
Coding change: c.95+9C>T on transcript NM_000558.5 (MANE Select); 9 bases into the intron after coding-DNA position 95, C replaced by T.
Molecular consequence: intron variant.
Genome position (GRCh38, 1-based): chr16:176,820, C>T. VCF-style: chr16-176820-C-T. GRCh37 (hg19) VCF-style: chr16-226819-C-T.
Identifiers: ClinVar variation 2428746 (VCV002428746.6), dbSNP rs1165288508, ClinGen allele CA620161618.

ClinVar aggregate classification (germline): Conflicting classifications of pathogenicity. Review status: criteria provided, conflicting classifications (1 of 4 stars). 2 submissions from 2 submitters: Uncertain significance (1); Likely benign (1). Last evaluated 2023-05-16.

Conditions:
alpha Thalassemia. Also called: Alpha thalassemia spectrum. Identifiers: Orphanet 846, MedGen C0002312, MONDO:0011399, OMIM 604131.
Hemoglobin H disease (HBH). Also called: ALPHA-THALASSEMIA, HEMOGLOBIN H TYPE; HEMOGLOBIN H DISEASE, DELETIONAL; Hemoglobin H (HbH) Disease. Identifiers: Orphanet 93616, MedGen C3161174, MONDO:0013512, OMIM 613978. Disease mechanism: loss of function.
Heinz body anemia. Also called: Heinz body hemolytic anemia. Identifiers: Orphanet 178330, MedGen C0700299, MONDO:0007705, OMIM 140700, HP:0005511.
Methemoglobinemia, alpha type. Identifiers: MedGen C4693798, MONDO:0020835, OMIM 617973.
Erythrocytosis, familial, 7. Also called: ERYTHROCYTOSIS, ALPHA-GLOBIN TYPE; POLYCYTHEMIA, ALPHA-GLOBIN TYPE; ERYTHROCYTOSIS 7. Identifiers: MedGen C4693823, MONDO:0054802, OMIM 617981.

Allele frequency attached by ClinVar (database versions not stated): TOPMed below 0.00001.

Submissions (2):

ARUP Laboratories, Molecular Genetics and Genomics, ARUP Laboratories
Classification: Likely benign. Last evaluated: 2023-05-16. Review status: criteria provided, single submitter. Criteria: ARUP Molecular Germline Variant Investigation Process 2024. Collection method: clinical testing. Allele origin: germline.

Juno Genomics, Hangzhou Juno Genomics, Inc
Classification: Uncertain significance for alpha Thalassemia; Erythrocytosis, familial, 7; Heinz body anemia; Hemoglobin H disease; Methemoglobinemia, alpha type. Review status: criteria provided, single submitter. Criteria: ACMG Guidelines, 2015. Collection method: clinical testing. Allele origin: germline.
Comment: Absent from controls (or at extremely low frequency if recessive) in Genome Aggregation Database.;Multiple lines of computational evidence suggest no impact on gene or gene product.